The following is an entry in ClinVar:

NM_006514.4(SCN10A):c.3894G>T (p.Met1298Ile)

Gene: SCN10A (sodium voltage-gated channel alpha subunit 10; minus strand). Cytogenetic location: 3p22.2.
Variant type: single nucleotide variant.
Coding change: c.3894G>T on transcript NM_006514.4 (MANE Select); coding-DNA position 3894, G replaced by T.
Protein change: p.Met1298Ile; replaces methionine 1298 with isoleucine.
Molecular consequence: missense variant.
Genome position (GRCh38, 1-based): chr3:38,712,356, C>A on the plus strand (G>T on the coding strand, the complement: SCN10A is on the minus strand). VCF-style: chr3-38712356-C-A. GRCh37 (hg19) VCF-style: chr3-38753847-C-A.
Other names: c.3891G>T, p.Met1297Ile (NM_001293306.2); c.3600G>T, p.Met1200Ile (NM_001293307.2); short protein forms M1297I, M1200I, M1298I.
Identifiers: ClinVar variation 3793142 (VCV003793142.1).

ClinVar aggregate classification (germline): Uncertain significance (1 of 4 stars; one submission).

Conditions:
Cardiovascular phenotype. Identifiers: MedGen CN230736.

Submission:

Ambry Genetics
Classification: Uncertain significance for Cardiovascular phenotype. Last evaluated: 2025-01-19. Review status: criteria provided, single submitter. Criteria: Ambry Variant Classification Scheme 2023. Collection method: clinical testing. Allele origin: germline.
Comment: The p.M1298I variant (also known as c.3894G>T), located in coding exon 22 of the SCN10A gene, results from a G to T substitution at nucleotide position 3894. The methionine at codon 1298 is replaced by isoleucine, an amino acid with highly similar properties. This amino acid position is conserved. In addition, this alteration is predicted to be deleterious by in silico analysis. Based on the available evidence, the clinical significance of this variant remains unclear.